The following is an entry in ClinVar:

ClinVar aggregate classification (germline): Uncertain significance (1 of 4 stars; one submission).

Conditions:
EGFR-related lung cancer (EGFR). Identifiers: MedGen CN130014.

Submission:

Labcorp Genetics (formerly Invitae), Labcorp
Classification: Uncertain significance for EGFR-related lung cancer. Last evaluated: 2023-05-31. Review status: criteria provided, single submitter. Criteria: Invitae Variant Classification Sherloc (09022015). Collection method: clinical testing. Allele origin: germline.
Comment: In summary, the available evidence is currently insufficient to determine the role of this variant in disease. Therefore, it has been classified as a Variant of Uncertain Significance. Advanced modeling of protein sequence and biophysical properties (such as structural, functional, and spatial information, amino acid conservation, physicochemical variation, residue mobility, and thermodynamic stability) performed at Invitae indicates that this missense variant is not expected to disrupt EGFR protein function. This variant has not been reported in the literature in individuals affected with EGFR-related conditions. This variant is not present in population databases (gnomAD no frequency). This sequence change replaces isoleucine, which is neutral and non-polar, with leucine, which is neutral and non-polar, at codon 491 of the EGFR protein (p.Ile491Leu).

NM_005228.5(EGFR):c.1471A>T (p.Ile491Leu)

Gene: EGFR (epidermal growth factor receptor; plus strand). Cytogenetic location: 7p11.2.
Variant type: single nucleotide variant.
Coding change: c.1471A>T on transcript NM_005228.5 (MANE Select); coding-DNA position 1471, A replaced by T.
Protein change: p.Ile491Leu; replaces isoleucine 491 with leucine.
Molecular consequence: missense variant.
Genome position (GRCh38, 1-based): chr7:55,160,311, A>T. VCF-style: chr7-55160311-A-T. GRCh37 (hg19) VCF-style: chr7-55228004-A-T.
Other names: c.1336A>T, p.Ile446Leu (NM_001346899.2, NM_001346897.2); c.1312A>T, p.Ile438Leu (NM_001346900.2); c.670A>T, p.Ile224Leu (NM_001346941.2); c.1471A>T, p.Ile491Leu (NM_201282.2, NM_201284.2, NM_001346898.2); short protein forms I224L, I438L, I491L, I446L.
Identifiers: ClinVar variation 2878475 (VCV002878475.3), dbSNP rs768500612, ClinGen allele CA367579683.